The following is an entry in ClinVar:

ClinVar aggregate classification (germline): Uncertain significance (1 of 4 stars; one submission).

Allele frequency attached by ClinVar (database versions not stated): ExAC 0.00001; gnomAD 0.00001; TOPMed 0.00001; ESP Exome Variant Server 0.00008.

Submission:

Labcorp Genetics (formerly Invitae), Labcorp
Classification: Uncertain significance. Last evaluated: 2022-08-10. Review status: criteria provided, single submitter. Criteria: Invitae Variant Classification Sherloc (09022015). Collection method: clinical testing. Allele origin: germline.
Comment: In summary, the available evidence is currently insufficient to determine the role of this variant in disease. Therefore, it has been classified as a Variant of Uncertain Significance. Algorithms developed to predict the effect of missense changes on protein structure and function are either unavailable or do not agree on the potential impact of this missense change (SIFT: "Tolerated"; PolyPhen-2: "Probably Damaging"; Align-GVGD: "Class C0"). This sequence change replaces aspartic acid, which is acidic and polar, with asparagine, which is neutral and polar, at codon 326 of the MMP2 protein (p.Asp326Asn). The frequency data for this variant in the population databases is considered unreliable, as metrics indicate poor data quality at this position in the gnomAD database. This variant has not been reported in the literature in individuals affected with MMP2-related conditions.

NM_004530.6(MMP2):c.976G>A (p.Asp326Asn)

Gene: MMP2 (matrix metallopeptidase 2; plus strand). Cytogenetic location: 16q12.2.
Variant type: single nucleotide variant.
Coding change: c.976G>A on transcript NM_004530.6 (MANE Select); coding-DNA position 976, G replaced by A.
Protein change: p.Asp326Asn; replaces aspartic acid 326 with asparagine.
Molecular consequence: missense variant.
Genome position (GRCh38, 1-based): chr16:55,488,686, G>A. VCF-style: chr16-55488686-G-A. GRCh37 (hg19) VCF-style: chr16-55522598-G-A.
Other names: c.826G>A, p.Asp276Asn (NM_001127891.3); c.748G>A, p.Asp250Asn (NM_001302508.1, NM_001302509.2, NM_001302510.2); short protein forms D250N, D276N, D326N.
Identifiers: ClinVar variation 1980978 (VCV001980978.4), dbSNP rs371671100, ClinGen allele CA8060262.
Genomic context (GRCh38, chr16:55,488,686, plus strand): 5'-ACCACTGAGGGCCGCACGGATGGCTACCGCTGGTGCGGCACCACTGAGGACTACGACCGC[G>A]ACAAGAAGTATGGCTTCTGCCCTGAGACCGGTGGGTGCCACTCCCTCTCCCTCCCTCAGG-3'
Protein context (NP_004521.1, residues 316-336): WCGTTEDYDR[Asp326Asn]KKYGFCPETA